The following is an entry in ClinVar:

ClinVar aggregate classification (germline): Uncertain significance. Review status: criteria provided, multiple submitters, no conflicts (2 of 4 stars). 2 submissions from 2 submitters: Uncertain significance (2). Last evaluated 2023-12-20.

Conditions:
Early-onset Lafora body disease. Also called: Epilepsy, progressive myoclonic, 10. Identifiers: Orphanet 324290, MedGen C4225258, MONDO:0014717, OMIM 616640.

Allele frequency attached by ClinVar (database versions not stated): gnomAD exomes 0.00001 and 0.00011; TOPMed 0.00002; gnomAD 0.00003; ExAC 0.00007.
gnomAD v4.1: 163 of 1,549,940 alleles (0.011%); highest among the groups gnomAD compares: Non-Finnish European, 0.013%; no homozygotes.

Submissions (2):

Ambry Genetics
Classification: Uncertain significance. Last evaluated: 2023-12-20. Review status: criteria provided, single submitter. Criteria: Ambry Variant Classification Scheme 2023. Collection method: clinical testing. Allele origin: germline.

Labcorp Genetics (formerly Invitae), Labcorp
Classification: Uncertain significance for Early-onset Lafora body disease. Last evaluated: 2022-04-24. Review status: criteria provided, single submitter. Criteria: Invitae Variant Classification Sherloc (09022015). Collection method: clinical testing. Allele origin: germline.
Comment: This sequence change replaces proline, which is neutral and non-polar, with arginine, which is basic and polar, at codon 574 of the PRDM8 protein (p.Pro574Arg). This variant is present in population databases (rs746174564, gnomAD 0.002%). This variant has not been reported in the literature in individuals affected with PRDM8-related conditions. ClinVar contains an entry for this variant (Variation ID: 648808). Algorithms developed to predict the effect of missense changes on protein structure and function are either unavailable or do not agree on the potential impact of this missense change (SIFT: "Deleterious"; PolyPhen-2: "Probably Damaging"; Align-GVGD: "Class C0"). In summary, the available evidence is currently insufficient to determine the role of this variant in disease. Therefore, it has been classified as a Variant of Uncertain Significance.

NM_001099403.2(PRDM8):c.1721C>G (p.Pro574Arg)

Gene: PRDM8 (PR/SET domain 8; plus strand). Cytogenetic location: 4q21.21.
Variant type: single nucleotide variant.
Coding change: c.1721C>G on transcript NM_001099403.2 (MANE Select); coding-DNA position 1721, C replaced by G.
Protein change: p.Pro574Arg; replaces proline 574 with arginine.
Molecular consequence: missense variant.
Genome position (GRCh38, 1-based): chr4:80,203,183, C>G. VCF-style: chr4-80203183-C-G. GRCh37 (hg19) VCF-style: chr4-81124337-C-G.
Other names: c.1721C>G, p.Pro574Arg (NM_020226.4); short protein forms P574R.
Identifiers: ClinVar variation 648808 (VCV000648808.6), dbSNP rs746174564, ClinGen allele CA2982440.